The following is an entry in ClinVar:

ClinVar aggregate classification (germline): Pathogenic (1 of 4 stars; one submission).

Conditions:
Exostoses, multiple, type 2 (EXT2). Also called: EXOSTOSES, MULTIPLE, TYPE II; Hereditary Multiple Osteochondromatosis, Type II. Identifiers: Orphanet 321, MedGen C1851413, MONDO:0007586, OMIM 133701.

Submission:

Clinical Biomedical Laboratory, Shriners Hospital For Children - Canada
Classification: Pathogenic for Exostoses, multiple, type 2. Last evaluated: 2025-10-05. Review status: criteria provided, single submitter. Criteria: ACMG Guidelines, 2015. Collection method: clinical testing. Allele origin: germline. Affected: yes.
Comment: This variant is predicted to substitute an aspartate residue by a methionine residue in exon 2 and introduce a stop codon 154 amino acids downstream. This is expected to lead to degradation of the affected transcript and loss of function of the affected allele. Heterozygous loss-of-function variants in EXT2 are an established cause of multiple exostoses (PMID 30806661), which corresponds to the cliniical diagnosis of the proband. This variant has not been observed in a large study on apparently healthy adults (Genome Aggregation Database, v2.1.1.), indicating it is not a common finding.

Literature cited by the submitters: PubMed 30806661.

NM_207122.2(EXT2):c.346del (p.Asp116fs)

Gene: EXT2 (exostosin glycosyltransferase 2; plus strand). Cytogenetic location: 11p11.2.
Variant type: Deletion.
Coding change: c.346del on transcript NM_207122.2 (MANE Select); coding-DNA position 346, one base deleted (G; older notation c.346delG).
Protein change: p.Asp116fs; shifts the reading frame from aspartic acid 116.
Molecular consequence: frameshift variant.
Genome position (GRCh38, 1-based): chr11:44,108,058, G deleted; the last of 2 consecutive G bases (chr11:44,108,057-44,108,058); deleting either gives the same sequence. VCF-style (leftmost placement, unchanged base first): chr11-44108056-TG-T. GRCh37 (hg19) VCF-style: chr11-44129606-TG-T.
Other names: c.445del, p.Asp149fs (NM_000401.3); c.346del, p.Asp116fs (NM_001178083.3, NM_001389628.1, NM_001389630.1); short protein forms D116fs, D149fs.
Identifiers: ClinVar variation 4280637 (VCV004280637.1).